The following is an entry in ClinVar:

NM_001943.5(DSG2):c.57C>T (p.Asn19=)

Gene: DSG2 (desmoglein 2; plus strand). Cytogenetic location: 18q12.1.
Variant type: single nucleotide variant.
Coding change: c.57C>T on transcript NM_001943.5 (MANE Select); coding-DNA position 57, C replaced by T.
Protein change: p.Asn19=; no amino-acid change (asparagine 19 retained).
Molecular consequence: synonymous variant.
Genome position (GRCh38, 1-based): chr18:31,518,250, C>T. VCF-style: chr18-31518250-C-T. GRCh37 (hg19) VCF-style: chr18-29098213-C-T.
Other names: p.N19N:AAC>AAT; c.57C>T (LRG_397t1).
Identifiers: ClinVar variation 137160 (VCV000137160.16), dbSNP rs587780925, ClinGen allele CA022193.

ClinVar aggregate classification (germline): Benign/Likely benign. Review status: criteria provided, multiple submitters, no conflicts (2 of 4 stars). 5 submissions from 5 submitters: Benign (1); Likely benign (4). Last evaluated 2025-07-05.

Conditions:
Cardiovascular phenotype. Identifiers: MedGen CN230736.
Arrhythmogenic right ventricular cardiomyopathy (ARVD). Also called: Arrhythmogenic cardiomyopathy; Cardiomyopathy, ARVC; Arrhythmogenic right ventricular dysplasia; Arrhythmogenic Right Ventricular Cardiomyopathy (ARVC). Identifiers: Orphanet 247, MedGen C0349788, MeSH D019571, MONDO:0016587. Disease mechanism: loss of function. Inheritance: Various modes of inheritance.
Cardiomyopathy (CMYO). Also called: Cardiomyopathies. Identifiers: Orphanet 167848, MedGen C0878544, MONDO:0004994, HP:0001638. Inheritance: Various modes of inheritance.
Arrhythmogenic right ventricular dysplasia 10. Also called: Arrhythmogenic Right Ventricular Dysplasia/Cardiomyopathy10; Arrhythmogenic right ventricular dysplasia/cardiomyopathy, type 10; ARRHYTHMOGENIC RIGHT VENTRICULAR DYSPLASIA, FAMILIAL, 10. Identifiers: MedGen C1857777, MONDO:0012434, OMIM 610193.

Allele frequency attached by ClinVar (database versions not stated): gnomAD exomes 0.00001 and 0.00002; ExAC 0.00002; gnomAD 0.00002; TOPMed 0.00004.

Submissions (5):

Labcorp Genetics (formerly Invitae), Labcorp
Classification: Likely benign for Arrhythmogenic right ventricular dysplasia 10. Last evaluated: 2025-07-05. Review status: criteria provided, single submitter. Criteria: Invitae Variant Classification Sherloc (09022015). Collection method: clinical testing. Allele origin: germline.

All of Us Research Program, National Institutes of Health
Classification: Likely benign for Arrhythmogenic right ventricular cardiomyopathy. Last evaluated: 2023-10-27. Review status: criteria provided, single submitter. Criteria: ACMG Guidelines, 2015. Collection method: clinical testing. Allele origin: germline. Inheritance: Autosomal dominant inheritance. Observed: 3 variant alleles, 3 heterozygotes.
Comment: This study involves interpretation of variants in research participants for the purpose of population health screening. Participant phenotype was not available at the time of variant classification. Additional details can be found in publication PMID: 35346344, PMCID: PMC8962531

Ambry Genetics
Classification: Likely benign for Cardiovascular phenotype. Last evaluated: 2019-08-12. Review status: criteria provided, single submitter. Criteria: Ambry Variant Classification Scheme 2023. Collection method: clinical testing. Allele origin: germline.

Color Diagnostics, LLC DBA Color Health
Classification: Likely benign for Cardiomyopathy. Last evaluated: 2019-01-27. Review status: criteria provided, single submitter. Criteria: ACMG Guidelines, 2015. Collection method: clinical testing. Allele origin: germline.

GeneDx
Classification: Benign. Last evaluated: 2014-03-21. Review status: criteria provided, single submitter. Criteria: GeneDx Variant Classification (06012015). Collection method: clinical testing. Allele origin: germline. Affected: yes.
Comment: This variant is considered likely benign or benign based on one or more of the following criteria: it is a conservative change, it occurs at a poorly conserved position in the protein, it is predicted to be benign by multiple in silico algorithms, and/or has population frequency not consistent with disease.